The following is an entry in ClinVar:

NM_017646.6(TRIT1):c.1034A>G (p.Tyr345Cys)

Gene: TRIT1 (tRNA isopentenyltransferase 1; minus strand). Cytogenetic location: 1p34.2.
Variant type: single nucleotide variant.
Coding change: c.1034A>G on transcript NM_017646.6 (MANE Select); coding-DNA position 1034, A replaced by G.
Protein change: p.Tyr345Cys; replaces tyrosine 345 with cysteine.
Molecular consequence: missense variant.
Genome position (GRCh38, 1-based): chr1:39,844,613, T>C on the plus strand (A>G on the coding strand, the complement: TRIT1 is on the minus strand). VCF-style: chr1-39844613-T-C. GRCh37 (hg19) VCF-style: chr1-40310285-T-C.
Other names: NM_017646.6:c.1034A>G; c.956A>G, p.Tyr319Cys (NM_001312691.2); c.788A>G, p.Tyr263Cys (NM_001312692.2); short protein forms Y263C, Y319C, Y345C.
Identifiers: ClinVar variation 1679848 (VCV001679848.1), dbSNP rs2124577339, ClinGen allele CA339839751.
Genomic context (GRCh38, chr1:39,844,613, plus strand): 5'-TCAAGAGCAGGTTCAAGAACAGACTCTTCCCACTTCGAGACATCAGATACCTCTAAGCCA[T>C]AGACAGGGGGGACAATGGGACCAGGTCCTAATGATGACAAAGAAAGGTTGTGAGAGGTCA-3'
Protein context (NP_060116.2, residues 335-355): SRPGPIVPPV[Tyr345Cys]GLEVSDVSKW

ClinVar aggregate classification (germline): Uncertain significance (1 of 4 stars; one submission).

Conditions:
Combined oxidative phosphorylation deficiency 35 (COXPD35). Identifiers: MedGen C4693466, MONDO:0054742, OMIM 617873.

Allele frequency attached by ClinVar (database versions not stated): gnomAD exomes below 0.00001.
gnomAD v4.1: 3 of 1,613,726 alleles (0.00019%); highest among the groups gnomAD compares: East Asian, 0.0045%; no homozygotes.

Submission:

Broad Center for Mendelian Genomics, Broad Institute of MIT and Harvard
Classification: Uncertain significance for Combined oxidative phosphorylation deficiency 35. Last evaluated: 2022-05-04. Review status: criteria provided, single submitter. Criteria: ACMG Guidelines, 2015. Collection method: curation. Allele origin: germline. Inheritance: Autosomal recessive inheritance.
Comment: The variant has been reported in 1 individual of unknown ethnicity with combined oxidative phosphorylation deficiency 35 (PMID: 31140736), but was absent from large population studies. In vitro functional studies provide some evidence that the p.Tyr345Cys variant may slightly impact protein function (PMID: 31140736). However, these types of assays may not accurately represent biological function. Computational prediction tools and conservation analyses do not provide strong support for or against an impact to the protein. The presence of this variant in 1 affected homozygote and in combination with a reported variant of uncertain significance that is confirmed in trans, and in 1 individual with combined oxidative phosphorylation deficiency 35 increases the likelihood that the p.Tyr345Cys variant is pathogenic (PMID: 31140736). In summary, while there is some suspicion for a pathogenic role, the clinical significance of this variant is uncertain. ACMG/AMP Criteria applied: PM2, PM3_supporting, PS3_supporting (Richards 2015).

Literature cited by the submitters: PubMed 31140736.